The following is an entry in ClinVar:

NM_004408.4(DNM1):c.1671+242C>T

Gene: DNM1 (dynamin 1; plus strand). Cytogenetic location: 9q34.11.
Variant type: single nucleotide variant.
Coding change: c.1671+242C>T on transcript NM_004408.4 (MANE Select); 242 bases into the intron after coding-DNA position 1671, C replaced by T.
Molecular consequence: intron variant.
Genome position (GRCh38, 1-based): chr9:128,242,587, C>T. VCF-style: chr9-128242587-C-T. GRCh37 (hg19) VCF-style: chr9-131004866-C-T.
Other names: c.1671+242C>T (NM_001005336.3, NM_001288738.2, NM_001288737.2 and 1 more transcripts).
Identifiers: ClinVar variation 677410 (VCV000677410.1), dbSNP rs28616043, ClinGen allele CA200362429.

ClinVar aggregate classification (germline): Benign (1 of 4 stars; one submission).

Allele frequency attached by ClinVar (database versions not stated): gnomAD 0.09706 and 0.10292; TOPMed 0.11047; 1000 Genomes Project 0.11661; 1000 Genomes Project 30x 0.12071.
gnomAD v4.1: 14,612 of 152,010 alleles (9.6%); highest among the groups gnomAD compares: African/African-American, 32%; 2,183 homozygotes.

Submission:

GeneDx
Classification: Benign. Last evaluated: 2018-06-14. Review status: criteria provided, single submitter. Criteria: GeneDx Variant Classification (06012015). Collection method: clinical testing. Allele origin: germline. Affected: yes.
Comment: This variant is considered likely benign or benign based on one or more of the following criteria: it is a conservative change, it occurs at a poorly conserved position in the protein, it is predicted to be benign by multiple in silico algorithms, and/or has population frequency not consistent with disease.